The following is an entry in ClinVar:

NM_001136139.4(TCF3):c.*3+1G>A

Gene: TCF3 (transcription factor 3; minus strand). Cytogenetic location: 19p13.3.
Variant type: single nucleotide variant.
Coding change: c.*3+1G>A on transcript NM_001136139.4 (MANE Plus Clinical); the canonical splice donor site of the intron after 3 bases downstream of the stop codon, G replaced by A.
Molecular consequence: splice donor variant. On other transcripts: 3 prime UTR variant (2).
Genome position (GRCh38, 1-based): chr19:1,611,703, C>T on the plus strand (G>A on the coding strand, the complement: TCF3 is on the minus strand). VCF-style: chr19-1611703-C-T. GRCh37 (hg19) VCF-style: chr19-1611702-C-T.
Other names: c.*4G>A (NM_001351779.2, NM_003200.5); c.*3+1G>A (NM_001351778.2).
Identifiers: ClinVar variation 3032459 (VCV003032459.2), dbSNP rs2513083318, ClinGen allele CA2583024813.

ClinVar aggregate classification (germline): Likely benign (0 of 4 stars; one submission).

Conditions:
TCF3-related disorder. Also called: TCF3-related condition.

Allele frequency attached by ClinVar (database versions not stated): gnomAD exomes below 0.00001.
gnomAD v4.1: 1 of 1,612,016 alleles (0.000062%); highest among the groups gnomAD compares: Non-Finnish European, 0.000085%; no homozygotes.

Submission:

PreventionGenetics, part of Exact Sciences
Classification: Likely benign for TCF3-related condition. Last evaluated: 2020-09-25. Review status: no assertion criteria provided. Collection method: clinical testing. Allele origin: germline.
Comment: This variant is classified as likely benign based on ACMG/AMP sequence variant interpretation guidelines (Richards et al. 2015 PMID: 25741868, with internal and published modifications).